The following is an entry in ClinVar:

NM_005222.4(DLX6):c.75GCA[10] (p.Gln44_Pro45insGlnGln)

Genes: DLX6 (distal-less homeobox 6; plus strand), DLX6-AS1 (DLX6 antisense RNA 1; minus strand). Cytogenetic location: 7q21.3.
Variant type: Microsatellite.
Coding change: c.75GCA[10] on transcript NM_005222.4 (MANE Select); ten copies in a row of the 3-base unit GCA starting at c.75; the reference has eight copies in a row; two copies, 6 bases duplicated.
Protein change: p.Gln44_Pro45insGlnGln.
Molecular consequence: inframe insertion.
Genome position (GRCh38, 1-based): chr7:97,006,070-97,006,075, GCAGCA duplicated; duplicating any 6 consecutive bases within chr7:97,006,052-97,006,075 gives the same sequence; the position shown is the placement nearest the transcript's 3' end. VCF-style (leftmost placement, unchanged base first): chr7-97006051-G-GGCAGCA. GRCh37 (hg19) VCF-style: chr7-96635363-G-GGCAGCA.
Identifiers: ClinVar variation 2720424 (VCV002720424.3), dbSNP rs530625473, ClinGen allele CA4353680.

ClinVar aggregate classification (germline): Uncertain significance (1 of 4 stars; one submission).

Submission:

Labcorp Genetics (formerly Invitae), Labcorp
Classification: Uncertain significance. Last evaluated: 2025-12-25. Review status: criteria provided, single submitter. Criteria: Invitae Variant Classification Sherloc (09022015). Collection method: clinical testing. Allele origin: germline.
Comment: This variant, c.93_98dup, results in the insertion of 2 amino acid(s) of the DLX6 protein (p.Gln43_Gln44dup), but otherwise preserves the integrity of the reading frame. The frequency data for this variant in the population databases is considered unreliable, as metrics indicate poor data quality at this position in the gnomAD database. This variant has not been reported in the literature in individuals affected with DLX6-related conditions. In summary, the available evidence is currently insufficient to determine the role of this variant in disease. Therefore, it has been classified as a Variant of Uncertain Significance.